The following is an entry in ClinVar:

ClinVar aggregate classification (germline): Uncertain significance (1 of 4 stars; one submission).

gnomAD v4.1: 5 of 1,614,150 alleles (0.00031%); highest among the groups gnomAD compares: Non-Finnish European, 0.00042%; no homozygotes.

Submission:

Labcorp Genetics (formerly Invitae), Labcorp
Classification: Uncertain significance. Last evaluated: 2024-05-30. Review status: criteria provided, single submitter. Criteria: Invitae Variant Classification Sherloc (09022015). Collection method: clinical testing. Allele origin: germline.
Comment: This sequence change replaces arginine, which is basic and polar, with cysteine, which is neutral and slightly polar, at codon 194 of the DPF2 protein (p.Arg194Cys). This variant is present in population databases (rs756297367, gnomAD 0.002%). This missense change has been observed in individual(s) with autism (PMID: 29346770). An algorithm developed to predict the effect of missense changes on protein structure and function (PolyPhen-2) suggests that this variant is likely to be disruptive. In summary, the available evidence is currently insufficient to determine the role of this variant in disease. Therefore, it has been classified as a Variant of Uncertain Significance.

Literature cited by the submitters: PubMed 29346770.

NM_006268.5(DPF2):c.580C>T (p.Arg194Cys)

Gene: DPF2 (double PHD fingers 2; plus strand). Cytogenetic location: 11q13.1.
Variant type: single nucleotide variant.
Coding change: c.580C>T on transcript NM_006268.5 (MANE Select); coding-DNA position 580, C replaced by T.
Protein change: p.Arg194Cys; replaces arginine 194 with cysteine.
Molecular consequence: missense variant.
Genome position (GRCh38, 1-based): chr11:65,344,012, C>T. VCF-style: chr11-65344012-C-T. GRCh37 (hg19) VCF-style: chr11-65111483-C-T.
Other names: c.580C>T, p.Arg194Cys (NM_001330308.2); short protein forms R194C.
Identifiers: ClinVar variation 3704410 (VCV003704410.2).